The following is an entry in ClinVar:

NM_004385.5(VCAN):c.3545C>T (p.Ser1182Leu)

Gene: VCAN (versican; plus strand). Cytogenetic location: 5q14.3.
Variant type: single nucleotide variant.
Coding change: c.3545C>T on transcript NM_004385.5 (MANE Select); coding-DNA position 3545, C replaced by T.
Protein change: p.Ser1182Leu; replaces serine 1182 with leucine.
Molecular consequence: missense variant. On other transcripts: intron variant (2).
Genome position (GRCh38, 1-based): chr5:83,521,851, C>T. VCF-style: chr5-83521851-C-T. GRCh37 (hg19) VCF-style: chr5-82817670-C-T.
Other names: c.3545C>T, p.Ser1182Leu (NM_001164098.2); c.1042+9455C>T (NM_001164097.2, NM_001126336.3); c.3545C>T (NM_004385.4); short protein forms S1182L.
Identifiers: ClinVar variation 1507300 (VCV001507300.8), dbSNP rs1351150049, ClinGen allele CA360306294.

ClinVar aggregate classification (germline): Uncertain significance. Review status: criteria provided, multiple submitters, no conflicts (2 of 4 stars). 3 submissions from 3 submitters: Uncertain significance (2). 1 of the submissions does not count toward it. Last evaluated 2025-12-10.

Conditions:
VCAN-related disorder. Also called: VCAN-related condition.
Inborn genetic diseases. Identifiers: MedGen C0950123, MeSH D030342.

Allele frequency attached by ClinVar (database versions not stated): TOPMed below 0.00001; gnomAD 0.00001; gnomAD exomes 0.00001.
gnomAD v4.1: 11 of 1,614,004 alleles (0.00068%); highest among the groups gnomAD compares: Non-Finnish European, 0.00093%; no homozygotes.

Submissions (3):

Ambry Genetics
Classification: Uncertain significance for Inborn genetic diseases. Last evaluated: 2025-12-10. Review status: criteria provided, single submitter. Criteria: Ambry Variant Classification Scheme 2023. Collection method: clinical testing. Allele origin: germline.

Labcorp Genetics (formerly Invitae), Labcorp
Classification: Uncertain significance. Last evaluated: 2023-11-06. Review status: criteria provided, single submitter. Criteria: Invitae Variant Classification Sherloc (09022015). Collection method: clinical testing. Allele origin: germline.
Comment: This sequence change replaces serine, which is neutral and polar, with leucine, which is neutral and non-polar, at codon 1182 of the VCAN protein (p.Ser1182Leu). This variant is present in population databases (no rsID available, gnomAD 0.007%). This variant has not been reported in the literature in individuals affected with VCAN-related conditions. ClinVar contains an entry for this variant (Variation ID: 1507300). An algorithm developed to predict the effect of missense changes on protein structure and function (PolyPhen-2) suggests that this variant is likely to be disruptive. In summary, the available evidence is currently insufficient to determine the role of this variant in disease. Therefore, it has been classified as a Variant of Uncertain Significance.

PreventionGenetics, part of Exact Sciences
Classification: Uncertain significance for VCAN-related condition. Last evaluated: 2024-05-24. Review status: no assertion criteria provided. Collection method: clinical testing. Allele origin: germline. Not counted in ClinVar's aggregate classification.
Comment: The VCAN c.3545C>T variant is predicted to result in the amino acid substitution p.Ser1182Leu. To our knowledge, this variant has not been reported in the literature. This variant is reported in 0.0065% of alleles in individuals of European (Non-Finnish) descent in gnomAD. At this time, the clinical significance of this variant is uncertain due to the absence of conclusive functional and genetic evidence.